The following is an entry in ClinVar:

ClinVar aggregate classification (germline): Conflicting classifications of pathogenicity. Review status: criteria provided, conflicting classifications (1 of 4 stars). 2 submissions from 2 submitters: Uncertain significance (1); Likely benign (1). Last evaluated 2025-08-05.

Conditions:
Congenital myotonia, autosomal recessive form. Also called: Becker Generalized Myotonia; BECKER DISEASE; myotonia congenita, autosomal recessive. Identifiers: Orphanet 614, MedGen C0751360, MONDO:0009715, OMIM 255700.
Congenital myotonia, autosomal dominant form (THD). Also called: THOMSEN DISEASE; Myotonia congenita autosomal dominant. Identifiers: Orphanet 614, MedGen C2936781, MONDO:0008055, OMIM 160800.
Inborn genetic diseases. Identifiers: MedGen C0950123, MeSH D030342.

Allele frequency attached by ClinVar (database versions not stated): gnomAD exomes 0.00003 and 0.00004; TOPMed 0.00003; 1000 Genomes Project 30x 0.00031; gnomAD 0.00001; ExAC 0.00002.
gnomAD v4.1: 47 of 1,614,102 alleles (0.0029%); highest among the groups gnomAD compares: South Asian, 0.011%; no homozygotes.

Submissions (2):

Ambry Genetics
Classification: Likely benign for Inborn genetic diseases. Last evaluated: 2025-08-05. Review status: criteria provided, single submitter. Criteria: Ambry Variant Classification Scheme 2023. Collection method: clinical testing. Allele origin: germline.

Labcorp Genetics (formerly Invitae), Labcorp
Classification: Uncertain significance for Congenital myotonia, autosomal recessive form; Congenital myotonia, autosomal dominant form. Last evaluated: 2021-10-19. Review status: criteria provided, single submitter. Criteria: Invitae Variant Classification Sherloc (09022015). Collection method: clinical testing. Allele origin: germline.
Comment: This sequence change replaces arginine, a(n) basic and polar amino acid, with glutamine, a(n) neutral and polar amino acid, at codon 453 of the CLCN1 protein (p.Arg453Gln). This variant is present in population databases (rs754440141, gnomAD 0.02%). This variant has not been reported in the literature in individuals affected with CLCN1-related conditions. Advanced modeling of protein sequence and biophysical properties (such as structural, functional, and spatial information, amino acid conservation, physicochemical variation, residue mobility, and thermodynamic stability) performed at Invitae indicates that this missense variant is not expected to disrupt CLCN1 protein function. Algorithms developed to predict the effect of sequence changes on RNA splicing suggest that this variant may create or strengthen a splice site. In summary, the available evidence is currently insufficient to determine the role of this variant in disease. Therefore, it has been classified as a Variant of Uncertain Significance.

NM_000083.3(CLCN1):c.1358G>A (p.Arg453Gln)

Gene: CLCN1 (chloride voltage-gated channel 1; plus strand). Cytogenetic location: 7q34.
Variant type: single nucleotide variant.
Coding change: c.1358G>A on transcript NM_000083.3 (MANE Select); coding-DNA position 1358, G replaced by A.
Protein change: p.Arg453Gln; replaces arginine 453 with glutamine.
Molecular consequence: missense variant.
Genome position (GRCh38, 1-based): chr7:143,332,830, G>A. VCF-style: chr7-143332830-G-A. GRCh37 (hg19) VCF-style: chr7-143029923-G-A.
Other names: c.1358G>A (NM_000083.2); short protein forms R453Q.
Identifiers: ClinVar variation 1498790 (VCV001498790.4), dbSNP rs754440141, ClinGen allele CA4537331.